The following is an entry in ClinVar:

ClinVar aggregate classification (germline): Uncertain significance. Review status: criteria provided, multiple submitters, no conflicts (2 of 4 stars). 3 submissions from 3 submitters: Uncertain significance (2). 1 of the submissions does not count toward it. Last evaluated 2024-11-27.

Conditions:
SH2B1-related disorder. Also called: SH2B1-related condition.

Allele frequency attached by ClinVar (database versions not stated): gnomAD 0.00009; ESP Exome Variant Server 0.00022.
gnomAD v4.1: 378 of 1,528,640 alleles (0.025%); highest among the groups gnomAD compares: Non-Finnish European, 0.032%; 1 homozygote.

Submissions (3):

Labcorp Genetics (formerly Invitae), Labcorp
Classification: Uncertain significance. Last evaluated: 2024-11-27. Review status: criteria provided, single submitter. Criteria: Invitae Variant Classification Sherloc (09022015). Collection method: clinical testing. Allele origin: germline.
Comment: This sequence change replaces alanine, which is neutral and non-polar, with threonine, which is neutral and polar, at codon 707 of the SH2B1 protein (p.Ala707Thr). This variant is present in population databases (rs370023058, gnomAD 0.02%). This variant has not been reported in the literature in individuals affected with SH2B1-related conditions. ClinVar contains an entry for this variant (Variation ID: 2399070). An algorithm developed to predict the effect of missense changes on protein structure and function (PolyPhen-2) suggests that this variant is likely to be disruptive. In summary, the available evidence is currently insufficient to determine the role of this variant in disease. Therefore, it has been classified as a Variant of Uncertain Significance.

Ambry Genetics
Classification: Uncertain significance. Last evaluated: 2024-10-29. Review status: criteria provided, single submitter. Criteria: Ambry Variant Classification Scheme 2023. Collection method: clinical testing. Allele origin: germline.

PreventionGenetics, part of Exact Sciences
Classification: Uncertain significance for SH2B1-related condition. Last evaluated: 2024-09-03. Review status: no assertion criteria provided. Collection method: clinical testing. Allele origin: germline. Not counted in ClinVar's aggregate classification.
Comment: The SH2B1 c.2119G>A variant is predicted to result in the amino acid substitution p.Ala707Thr. To our knowledge, this variant has not been reported in the literature. This variant is reported in 0.021% of alleles in individuals of European (Non-Finnish) descent in gnomAD. At this time, the clinical significance of this variant is uncertain due to the absence of conclusive functional and genetic evidence.

NM_001387430.1(SH2B1):c.2119G>A (p.Ala707Thr)

Gene: SH2B1 (SH2B adaptor protein 1; plus strand). Cytogenetic location: 16p11.2.
Variant type: single nucleotide variant.
Coding change: c.2119G>A on transcript NM_001387430.1 (MANE Select); coding-DNA position 2119, G replaced by A.
Protein change: p.Ala707Thr; replaces alanine 707 with threonine.
Molecular consequence: missense variant. On other transcripts: 3 prime UTR variant (5).
Genome position (GRCh38, 1-based): chr16:28,873,668, G>A. VCF-style: chr16-28873668-G-A. GRCh37 (hg19) VCF-style: chr16-28884989-G-A.
Other names: c.2119G>A, p.Ala707Thr (NM_001145795.2, NM_001308293.2, NM_001387404.1); c.*203G>A (NM_001145796.2, NM_001145812.2, NM_001308294.2 and 1 more transcripts); c.*220G>A (NM_001145797.2); short protein forms A707T.
Identifiers: ClinVar variation 2399070 (VCV002399070.7), dbSNP rs370023058, ClinGen allele CA7986442.